The following is an entry in ClinVar:

NM_015057.5(MYCBP2):c.4496G>A (p.Gly1499Glu)

Gene: MYCBP2 (MYC binding protein 2; minus strand). Cytogenetic location: 13q22.3.
Variant type: single nucleotide variant.
Coding change: c.4496G>A on transcript NM_015057.5 (MANE Select); coding-DNA position 4496, G replaced by A.
Protein change: p.Gly1499Glu; replaces glycine 1499 with glutamic acid.
Molecular consequence: missense variant.
Genome position (GRCh38, 1-based): chr13:77,185,326, C>T on the plus strand (G>A on the coding strand, the complement: MYCBP2 is on the minus strand). VCF-style: chr13-77185326-C-T. GRCh37 (hg19) VCF-style: chr13-77759461-C-T.
Other names: short protein forms G1499E.
Identifiers: ClinVar variation 4528143 (VCV004528143.2).
Genomic context (GRCh38, chr13:77,185,326, plus strand): 5'-TTCACCATGCAGTGATCAACTCCTTCTGATAAAATTTTTCTTAACAAAGTTCTGGTTTTT[C>T]CAATACACTCTGCTAATTTGCTAGTTTCTTCTACAACTGCTTTTCCTGTAGCTTTGAGGG-3'
Protein context (NP_055872.4, residues 1489-1509): EETSKLAECI[Gly1499Glu]KTRTLLRKIL

ClinVar aggregate classification (germline): Uncertain significance (1 of 4 stars; one submission).

Submission:

GeneDx
Classification: Uncertain significance. Last evaluated: 2026-03-04. Review status: criteria provided, single submitter. Criteria: GeneDx Variant Classification Process June 2021. Collection method: clinical testing. Allele origin: germline.
Comment: Not observed at significant frequency in large population cohorts (gnomAD); In silico analysis supports that this missense variant has a deleterious effect on protein structure/function; Has not been previously published as pathogenic or benign to our knowledge